The following is an entry in ClinVar:

NM_024334.3(TMEM43):c.*8C>T

Gene: TMEM43 (transmembrane protein 43; plus strand). Cytogenetic location: 3p25.1.
Variant type: single nucleotide variant.
Coding change: c.*8C>T on transcript NM_024334.3 (MANE Select); 8 bases downstream of the stop codon, C replaced by T.
Molecular consequence: 3 prime UTR variant.
Genome position (GRCh38, 1-based): chr3:14,141,803, C>T. VCF-style: chr3-14141803-C-T. GRCh37 (hg19) VCF-style: chr3-14183303-C-T.
Other names: c.*8C>T.
Identifiers: ClinVar variation 46136 (VCV000046136.38), dbSNP rs192707412, ClinGen allele CA024794.

ClinVar aggregate classification (germline): Benign/Likely benign. Review status: criteria provided, multiple submitters, no conflicts (2 of 4 stars). 6 submissions from 6 submitters: Benign (3); Likely benign (3). Last evaluated 2024-08-06.

Conditions:
Cardiomyopathy (CMYO). Also called: Cardiomyopathies. Identifiers: Orphanet 167848, MedGen C0878544, MONDO:0004994, HP:0001638. Inheritance: Various modes of inheritance.

Allele frequency attached by ClinVar (database versions not stated): gnomAD exomes 0.00021 and 0.00052; ExAC 0.00071; ESP Exome Variant Server 0.00161; gnomAD 0.00216 and 0.00225; TOPMed 0.00261; 1000 Genomes Project 0.00280; 1000 Genomes Project 30x 0.00281.
gnomAD v4.1: 648 of 1,611,350 alleles (0.04%); highest among the groups gnomAD compares: African/African-American, 0.78%; 4 homozygotes.

Submissions (6):

Blueprint Genetics
Classification: Likely benign. Last evaluated: 2024-08-06. Review status: criteria provided, single submitter. Criteria: ACMG Guidelines, 2015. Collection method: clinical testing. Allele origin: germline.

CeGaT Center for Human Genetics Tuebingen
Classification: Benign. Last evaluated: 2024-04-01. Review status: criteria provided, single submitter. Criteria: CeGaT Center For Human Genetics Tuebingen Variant Classification Criteria Version 2. Collection method: clinical testing. Allele origin: germline. Affected: yes. Observed: 2 variant alleles.
Comment: TMEM43: BS1, BS2

Athena Diagnostics
Classification: Benign. Last evaluated: 2016-12-13. Review status: criteria provided, single submitter. Criteria: Athena Diagnostics Criteria. Collection method: clinical testing. Allele origin: germline.

CHEO Genetics Diagnostic Laboratory, Children's Hospital of Eastern Ontario
Classification: Likely benign for Cardiomyopathy. Last evaluated: 2016-04-11. Review status: criteria provided, single submitter. Criteria: ACMG Guidelines, 2015. Collection method: clinical testing. Allele origin: germline. Study: Canadian Open Genetics Repository.

GeneDx
Classification: Benign. Last evaluated: 2014-01-23. Review status: criteria provided, single submitter. Criteria: GeneDx Variant Classification (06012015). Collection method: clinical testing. Allele origin: germline. Affected: yes.
Comment: This variant is considered likely benign or benign based on one or more of the following criteria: it is a conservative change, it occurs at a poorly conserved position in the protein, it is predicted to be benign by multiple in silico algorithms, and/or has population frequency not consistent with disease.

Laboratory for Molecular Medicine, Mass General Brigham Personalized Medicine
Classification: Likely benign. Last evaluated: 2012-07-18. Review status: criteria provided, single submitter. Criteria: LMM Criteria. Collection method: clinical testing. Allele origin: germline. Observed: 6 variant alleles.
Comment: *8C>T in exon 12 of TMEM43: This variant is not expected to have clinical signif icance because it has been identified in 0.5% (21/4404) of African American chro mosomes from a broad population by the NHLBI Exome Sequencing Project (s.). *8C>T in exon 12 of TMEM43 (allele frequency = 0.5%, 21/4404) **